The following is an entry in ClinVar:

NM_001384140.1(PCDH15):c.16del (p.Tyr6fs)

Gene: PCDH15 (protocadherin related 15; minus strand). Cytogenetic location: 10q21.1.
Variant type: Deletion.
Coding change: c.16del on transcript NM_001384140.1 (MANE Select); coding-DNA position 16, one base deleted (T; older notation c.16delT).
Protein change: p.Tyr6fs; shifts the reading frame from tyrosine 6.
Molecular consequence: frameshift variant.
Genome position (GRCh38, 1-based): chr10:54,664,247, A deleted on the plus strand (T on the coding strand, the reverse complement: PCDH15 is on the minus strand); the first of 4 consecutive A bases (chr10:54,664,247-54,664,250); deleting any one gives the same sequence. VCF-style (leftmost placement, unchanged base first): chr10-54664246-TA-T. GRCh37 (hg19) VCF-style: chr10-56424006-TA-T.
Other names: c.16del, p.Tyr6fs (NM_001142763.2, NM_001142764.2, NM_001142765.2 and 13 more transcripts); c.13delT, p.Tyr6Ilefs (NM_001142769.4); short protein forms Y6fs.
Identifiers: ClinVar variation 46446 (VCV000046446.10), dbSNP rs397517451, ClinGen allele CA261842.

ClinVar aggregate classification (germline): Pathogenic. Review status: criteria provided, multiple submitters, no conflicts (2 of 4 stars). 5 submissions from 5 submitters: Pathogenic (2). 3 of the submissions do not count toward it. Last evaluated 2018-11-27.

Conditions:
Rare genetic deafness. Identifiers: Orphanet 96210, MedGen C5680250.
Usher syndrome type 1 (USH1). Also called: RETINITIS PIGMENTOSA AND CONGENITAL DEAFNESS. Identifiers: Orphanet 231169, Orphanet 886, MedGen C1568247, MONDO:0010168, OMIM 276900.
USHER SYNDROME, TYPE ID/F, DIGENIC. Also called: Usher syndrome, type 1D/F digenic. Identifiers: MedGen C3276419.
Usher syndrome type 1F (USH1F). Also called: USHER SYNDROME, TYPE IF. Identifiers: Orphanet 231169, Orphanet 886, MedGen C1865885, MONDO:0011186, OMIM 602083.

Submissions (5):

GeneDx
Classification: Pathogenic. Last evaluated: 2018-11-27. Review status: criteria provided, single submitter. Criteria: GeneDx Variant Classification (06012015). Collection method: clinical testing. Allele origin: germline. Affected: yes.
Comment: The c.16delT pathogenic variant in the PCDH15 gene has been reported previously in association with Usher syndrome type I. It was identified as heterozygous in one affected individual who was also heterozygous for a variant in CHD23 (Zheng et al., 2005), and as heterozygous in an unrelated affected individual with no second variant identified (Ouyeng et al. 2005). The deletion causes a frameshift starting with codon Tyrosine 6, changes this amino acid to an Isoleucine residue and creates a premature Stop codon at position 6 of the new reading frame, denoted p.Tyr6IlefsX6. This pathogenic variant is predicted to cause loss of normal protein function either through protein truncation or nonsense-mediated mRNA decay. It is is not observed in large population cohorts (Lek et al., 2016). In summary, we interpret this variant as pathogenic.

Laboratory for Molecular Medicine, Mass General Brigham Personalized Medicine
Classification: Pathogenic for Rare genetic deafness. Last evaluated: 2012-05-07. Review status: criteria provided, single submitter. Criteria: LMM Criteria. Collection method: clinical testing. Allele origin: germline. Inheritance: Autosomal recessive inheritance. Observed: 1 variant allele.
Comment: The Tyr6fs variant (PCDH15) has been reported in the literature (Zheng 2005, Ouy ang 2005). This frameshift variant is predicted to alter the protein?s amino aci d sequence beginning at position 6 and lead to a premature termination codon 6 a mino acids downstream. This alteration is then predicted to lead to a truncated or absent protein. In summary, this variant meets our criteria to be classified as pathogenic.

Counsyl
Classification: Likely pathogenic for Usher syndrome type 1F. Last evaluated: 2018-04-09. Review status: no assertion criteria provided. Collection method: clinical testing. Allele origin: unknown. Not counted in ClinVar's aggregate classification.

OMIM
Classification: Pathogenic for USHER SYNDROME, TYPE ID/F, DIGENIC. Last evaluated: 2005-01-01. Review status: no assertion criteria provided. Collection method: literature only. Allele origin: germline. Not counted in ClinVar's aggregate classification.

GeneReviews
No classification provided. Condition: Usher syndrome type 1. Review status: no classification provided. Collection method: literature only. Allele origin: germline. Affected: yes. Not counted in ClinVar's aggregate classification.

Literature cited by the submitters: PubMed 15537665 (cited by 4 submitters); PubMed 15660226 (cited by Laboratory for Molecular Medicine, Mass General Brigham Personalized Medicine); NCBI Bookshelf NBK1265 (cited by GeneReviews).